The following is an entry in ClinVar:

ClinVar aggregate classification (germline): Conflicting classifications of pathogenicity. Review status: criteria provided, conflicting classifications (1 of 4 stars). 5 submissions from 5 submitters: Uncertain significance (2); Likely benign (2). 1 of the submissions does not count toward it. Last evaluated 2025-12-03.

Conditions:
PRDM5-related disorder. Also called: PRDM5-related condition.
Ehlers-Danlos syndrome (EDS). Identifiers: Orphanet 98249, MedGen C0013720, MONDO:0020066.

Allele frequency attached by ClinVar (database versions not stated): TOPMed 0.00004; ExAC 0.00009; gnomAD exomes 0.00009 and 0.00011; gnomAD 0.00010.
gnomAD v4.1: 134 of 1,529,276 alleles (0.0088%); highest among the groups gnomAD compares: Non-Finnish European, 0.011%; no homozygotes.

Submissions (5):

Labcorp Genetics (formerly Invitae), Labcorp
Classification: Likely benign. Last evaluated: 2025-12-03. Review status: criteria provided, single submitter. Criteria: Invitae Variant Classification Sherloc (09022015). Collection method: clinical testing. Allele origin: germline.

Blueprint Genetics
Classification: Likely benign. Last evaluated: 2024-06-07. Review status: criteria provided, single submitter. Criteria: ACMG Guidelines, 2015. Collection method: clinical testing. Allele origin: germline.

GeneDx
Classification: Uncertain significance. Last evaluated: 2019-09-09. Review status: criteria provided, single submitter. Criteria: GeneDx Variant Classification Process June 2021. Collection method: clinical testing. Allele origin: germline. Affected: yes.
Comment: Has not been previously published as pathogenic or benign to our knowledge; In-silico analysis, which includes splice predictors and evolutionary conservation, is inconclusive as to whether the variant alters gene splicing. In the absence of RNA/functional studies, the actual effect of this sequence change is unknown.

Genome Diagnostics Laboratory, The Hospital for Sick Children
Classification: Uncertain significance for Ehlers-Danlos syndrome. Last evaluated: 2019-06-01. Review status: criteria provided, single submitter. Criteria: ACMG Guidelines, 2015. Collection method: clinical testing. Allele origin: germline.

PreventionGenetics, part of Exact Sciences
Classification: Likely benign for PRDM5-related condition. Last evaluated: 2019-05-15. Review status: no assertion criteria provided. Collection method: clinical testing. Allele origin: germline. Not counted in ClinVar's aggregate classification.
Comment: This variant is classified as likely benign based on ACMG/AMP sequence variant interpretation guidelines (Richards et al. 2015 PMID: 25741868, with internal and published modifications).

NM_018699.4(PRDM5):c.1031-6T>A

Gene: PRDM5 (PR/SET domain 5; minus strand). Cytogenetic location: 4q27.
Variant type: single nucleotide variant.
Coding change: c.1031-6T>A on transcript NM_018699.4 (MANE Select); 6 bases into the intron before coding-DNA position 1031, T replaced by A.
Molecular consequence: intron variant. On other transcripts: nonsense (1).
Genome position (GRCh38, 1-based): chr4:120,798,430, A>T on the plus strand (T>A on the coding strand, the complement: PRDM5 is on the minus strand). VCF-style: chr4-120798430-A-T. GRCh37 (hg19) VCF-style: chr4-121719585-A-T.
Other names: c.1058T>A, p.Leu353Ter (NM_001379104.1); c.938-6T>A (NM_001300824.2, NM_001379106.1, NM_001300823.2); short protein forms L353*.
Identifiers: ClinVar variation 1188537 (VCV001188537.16), dbSNP rs753768741, ClinGen allele CA3061168.